The following is an entry in ClinVar:

ClinVar aggregate classification (germline): Uncertain significance. Review status: criteria provided, multiple submitters, no conflicts (2 of 4 stars). 3 submissions from 3 submitters: Uncertain significance (3). Last evaluated 2025-08-11.

Allele frequency attached by ClinVar (database versions not stated): gnomAD 0.00001 and 0.00007; gnomAD exomes 0.00006 and 0.00010; ExAC 0.00015; TOPMed 0.00002; ESP Exome Variant Server 0.00008; 1000 Genomes Project 0.00060; 1000 Genomes Project 30x 0.00062.
gnomAD v4.1: 98 of 1,614,092 alleles (0.0061%); highest among the groups gnomAD compares: South Asian, 0.086%; no homozygotes.

Submissions (3):

GeneDx
Classification: Uncertain significance. Last evaluated: 2025-08-11. Review status: criteria provided, single submitter. Criteria: GeneDx Variant Classification Process June 2021. Collection method: clinical testing. Allele origin: germline. Affected: yes.
Comment: In silico analysis supports that this missense variant has a deleterious effect on protein structure/function; Has not been previously published as pathogenic or benign to our knowledge

Labcorp Genetics (formerly Invitae), Labcorp
Classification: Uncertain significance. Last evaluated: 2024-08-13. Review status: criteria provided, single submitter. Criteria: Invitae Variant Classification Sherloc (09022015). Collection method: clinical testing. Allele origin: germline.
Comment: This sequence change replaces alanine, which is neutral and non-polar, with threonine, which is neutral and polar, at codon 123 of the COQ6 protein (p.Ala123Thr). This variant is present in population databases (rs377529207, gnomAD 0.07%). This variant has not been reported in the literature in individuals affected with COQ6-related conditions. ClinVar contains an entry for this variant (Variation ID: 1389351). Advanced modeling of protein sequence and biophysical properties (such as structural, functional, and spatial information, amino acid conservation, physicochemical variation, residue mobility, and thermodynamic stability) performed at Invitae indicates that this missense variant is not expected to disrupt COQ6 protein function with a negative predictive value of 80%. In summary, the available evidence is currently insufficient to determine the role of this variant in disease. Therefore, it has been classified as a Variant of Uncertain Significance.

Mayo Clinic Laboratories, Mayo Clinic
Classification: Uncertain significance. Last evaluated: 2021-11-04. Review status: criteria provided, single submitter. Criteria: ACMG Guidelines, 2015. Collection method: clinical testing. Allele origin: germline.

NM_182476.3(COQ6):c.367G>A (p.Ala123Thr)

Genes: COQ6 (coenzyme Q6, monooxygenase; plus strand), ENTPD5 (ectonucleoside triphosphate diphosphohydrolase 5; minus strand). Cytogenetic location: 14q24.3.
Variant type: single nucleotide variant.
Coding change: c.367G>A on transcript NM_182476.3 (MANE Select); coding-DNA position 367, G replaced by A.
Protein change: p.Ala123Thr; replaces alanine 123 with threonine.
Molecular consequence: missense variant. On other transcripts: 3 prime UTR variant (1), intron variant (2), 5 prime UTR variant (2).
Genome position (GRCh38, 1-based): chr14:73,955,814, G>A. VCF-style: chr14-73955814-G-A. GRCh37 (hg19) VCF-style: chr14-74422517-G-A.
Other names: p.Ala123Thr; c.367G>A, p.Ala123Thr (NM_001425255.1, NM_001425256.1); c.292G>A, p.Ala98Thr (NM_182480.3, NM_001425258.1); c.*6C>T (NM_001382262.1); c.357+305G>A (NM_001425262.1); c.1201-227C>T (NM_001382258.1); c.202G>A, p.Ala68Thr (NM_001425257.1); c.142G>A, p.Ala48Thr (NM_001425259.1, NM_001425260.1, NM_001425261.1); and 2 more; short protein forms A123T, A98T.
Identifiers: ClinVar variation 1389351 (VCV001389351.11), dbSNP rs377529207, ClinGen allele CA7264159.